The following is an entry in ClinVar:

ClinVar aggregate classification (germline): Uncertain significance (1 of 4 stars; one submission).

gnomAD v4.1: 4 of 1,606,878 alleles (0.00025%); highest among the groups gnomAD compares: Non-Finnish European, 0.00034%; no homozygotes.

Submission:

Ambry Genetics
Classification: Uncertain significance. Last evaluated: 2025-11-08. Review status: criteria provided, single submitter. Criteria: Ambry Variant Classification Scheme 2023. Collection method: clinical testing. Allele origin: germline.
Comment: The p.L192F variant (also known as c.574C>T), located in coding exon 1 of the MC1R gene, results from a C to T substitution at nucleotide position 574. The leucine at codon 192 is replaced by phenylalanine, an amino acid with highly similar properties. This amino acid position is conserved. In addition, the in silico prediction for this alteration is inconclusive. Based on the available evidence, the clinical significance of this variant remains unclear.

NM_002386.4(MC1R):c.574C>T (p.Leu192Phe)

Gene: MC1R (melanocortin 1 receptor; plus strand). Cytogenetic location: 16q24.3.
Variant type: single nucleotide variant.
Coding change: c.574C>T on transcript NM_002386.4 (MANE Select); coding-DNA position 574, C replaced by T.
Protein change: p.Leu192Phe; replaces leucine 192 with phenylalanine.
Molecular consequence: missense variant.
Genome position (GRCh38, 1-based): chr16:89,919,832, C>T. VCF-style: chr16-89919832-C-T. GRCh37 (hg19) VCF-style: chr16-89986240-C-T.
Other names: short protein forms L192F.
Identifiers: ClinVar variation 4550311 (VCV004550311.1).